The following is an entry in ClinVar:

ClinVar aggregate classification (germline): Benign. Review status: criteria provided, multiple submitters, no conflicts (2 of 4 stars). 2 submissions from 2 submitters: Benign (2). Last evaluated 2026-02-02.

Conditions:
Ehlers-Danlos syndrome, type 4 (EDSVASC). Also called: Ehlers-Danlos syndrome vascular type; Ehlers Danlos syndrome, ecchymotic type; Ehlers Danlos syndrome, arterial type; Ehlers Danlos syndrome, Sack-Barabas type; Ehlers-Danlos Syndrome Type IV. Identifiers: Orphanet 286, MedGen C0268338, MONDO:0017314, OMIM 130050.

Allele frequency attached by ClinVar (database versions not stated): gnomAD exomes 0.00050 and 0.00127; ExAC 0.00149; 1000 Genomes Project 0.00339; 1000 Genomes Project 30x 0.00344; gnomAD 0.00447 and 0.00491; TOPMed 0.00500; ESP Exome Variant Server 0.00507.

Submissions (2):

Labcorp Genetics (formerly Invitae), Labcorp
Classification: Benign for Ehlers-Danlos syndrome, type 4. Last evaluated: 2026-02-02. Review status: criteria provided, single submitter. Criteria: Invitae Variant Classification Sherloc (09022015). Collection method: clinical testing. Allele origin: germline.

GeneDx
Classification: Benign. Last evaluated: 2013-10-21. Review status: criteria provided, single submitter. Criteria: GeneDx Variant Classification (06012015). Collection method: clinical testing. Allele origin: germline. Affected: yes.
Comment: This variant is considered likely benign or benign based on one or more of the following criteria: it is a conservative change, it occurs at a poorly conserved position in the protein, it is predicted to be benign by multiple in silico algorithms, and/or has population frequency not consistent with disease.

NM_000090.4(COL3A1):c.4059= (p.His1353=)

Gene: COL3A1 (collagen type III alpha 1 chain; plus strand). Cytogenetic location: 2q32.2.
Variant type: single nucleotide variant.
Coding change: c.4059= on transcript NM_000090.4 (MANE Select); coding-DNA position 4059, no change from the reference sequence.
Protein change: p.His1353=; no amino-acid change (histidine 1353 retained).
Molecular consequence: no sequence alteration.
Genome position: GRCh38 VCF-style: chr2-189010695-T-T. GRCh37 (hg19) VCF-style: chr2-189875421-T-T.
Other names: p.Q1353H:CAG>CAT; short protein forms Q1353H.
Identifiers: ClinVar variation 136858 (VCV000136858.12), dbSNP rs1516446.